The following is an entry in ClinVar:

NM_001127511.3(APC):c.166-28594A>G

Gene: APC (APC regulator of Wnt signaling pathway; plus strand). Cytogenetic location: 5q22.2.
Variant type: single nucleotide variant.
Coding change: c.166-28594A>G on transcript NM_001127511.3; 28594 bases into the intron before coding-DNA position 166, A replaced by G.
Molecular consequence: intron variant.
Genome position (GRCh38, 1-based): chr5:112,737,732, A>G. VCF-style: chr5-112737732-A-G. GRCh37 (hg19) VCF-style: chr5-112073429-A-G.
Other names: c.-1053-17141A>G (NM_001407470.1, NM_001407472.1); c.-18-17141A>G (NM_001407447.1, NM_001354895.2, NM_001407456.1 and 7 more transcripts); c.166-28594A>G (NM_001407446.1, NM_001354897.2, NM_001354902.2); c.-42-28594A>G (NM_001407453.1).
Identifiers: ClinVar variation 3039982 (VCV003039982.2), dbSNP rs927954220, ClinGen allele CA124951682.

ClinVar aggregate classification (germline): Likely benign (0 of 4 stars; one submission).

Conditions:
APC-related disorder. Also called: APC-related condition.

Allele frequency attached by ClinVar (database versions not stated): gnomAD exomes 0.00007; gnomAD 0.00015; TOPMed 0.00021.
gnomAD v4.1: 63 of 626,654 alleles (0.01%); highest among the groups gnomAD compares: Non-Finnish European, 0.0022%; no homozygotes.

Submission:

PreventionGenetics, part of Exact Sciences
Classification: Likely benign for APC-related condition. Last evaluated: 2019-09-27. Review status: no assertion criteria provided. Collection method: clinical testing. Allele origin: germline.
Comment: This variant is classified as likely benign based on ACMG/AMP sequence variant interpretation guidelines (Richards et al. 2015 PMID: 25741868, with internal and published modifications).